The following is an entry in ClinVar:

NM_002972.4(SBF1):c.5311C>T (p.Arg1771Cys)

Gene: SBF1 (SET binding factor 1; minus strand). Cytogenetic location: 22q13.33.
Variant type: single nucleotide variant.
Coding change: c.5311C>T on transcript NM_002972.4 (MANE Select); coding-DNA position 5311, C replaced by T.
Protein change: p.Arg1771Cys; replaces arginine 1771 with cysteine.
Molecular consequence: missense variant.
Genome position (GRCh38, 1-based): chr22:50,448,285, G>A on the plus strand (C>T on the coding strand, the complement: SBF1 is on the minus strand). VCF-style: chr22-50448285-G-A. GRCh37 (hg19) VCF-style: chr22-50886714-G-A.
Other names: c.5311C>T (NM_002972.3); c.5236C>T, p.Arg1746Cys (NM_001365819.1); short protein forms R1746C, R1771C.
Identifiers: ClinVar variation 1192102 (VCV001192102.9), dbSNP rs138127298, ClinGen allele CA10315899.
Genomic context (GRCh38, chr22:50,448,285, plus strand): 5'-CCTCATACCTGTTCTCACTCTCTGCTGTCTGGAACTGGCTGTACAGGGTGCTGGTGCTGC[G>A]GCGGGCAGCCTGACGGGAGCCGGATGTGGTTGAGCCACTACTCTGGTCGCTGTCCAGGCT-3'
Protein context (NP_002963.2, residues 1761-1781): TTSGSRQAAR[Arg1771Cys]STSTLYSQFQ

ClinVar aggregate classification (germline): Uncertain significance. Review status: criteria provided, multiple submitters, no conflicts (2 of 4 stars). 5 submissions from 5 submitters: Uncertain significance (4). 1 of the submissions does not count toward it. Last evaluated 2025-12-09.

Conditions:
SBF1-related disorder. Also called: SBF1-related condition.

Allele frequency attached by ClinVar (database versions not stated): ESP Exome Variant Server 0.00016; 1000 Genomes Project 0.00120; 1000 Genomes Project 30x 0.00125.
gnomAD v4.1: 897 of 1,613,136 alleles (0.056%); highest among the groups gnomAD compares: East Asian, 1.6%; 13 homozygotes.

Submissions (5):

Women's Health and Genetics/Laboratory Corporation of America, LabCorp
Classification: Uncertain significance. Last evaluated: 2025-12-09. Review status: criteria provided, single submitter. Criteria: LabCorp Variant Classification Summary - May 2015. Collection method: clinical testing. Allele origin: germline.
Comment: Variant summary: SBF1 c.5311C>T (p.Arg1771Cys) results in a non-conservative amino acid change in the encoded protein sequence. Algorithms developed to predict the effect of missense changes on protein structure and function are either unavailable or do not agree on the potential impact of this missense change. The variant allele was found at a frequency of 0.00025 in 248070 control chromosomes. This frequency is not significantly higher than estimated for disease-causing variants in SBF1, allowing no conclusion about variant significance. To our knowledge, no occurrence of c.5311C>T in individuals affected with SBF1-related conditions and no experimental evidence demonstrating its impact on protein function have been reported. ClinVar contains an entry for this variant (Variation ID: 1192102). Based on the evidence outlined above, the variant was classified as uncertain significance.

Blueprint Genetics
Classification: Uncertain significance. Last evaluated: 2024-09-02. Review status: criteria provided, single submitter. Criteria: ACMG Guidelines, 2015. Collection method: clinical testing. Allele origin: germline.

Labcorp Genetics (formerly Invitae), Labcorp
Classification: Uncertain significance. Last evaluated: 2022-07-25. Review status: criteria provided, single submitter. Criteria: Invitae Variant Classification Sherloc (09022015). Collection method: clinical testing. Allele origin: germline.
Comment: This sequence change replaces arginine, which is basic and polar, with cysteine, which is neutral and slightly polar, at codon 1771 of the SBF1 protein (p.Arg1771Cys). This variant is present in population databases (rs138127298, gnomAD 0.1%). This variant has not been reported in the literature in individuals affected with SBF1-related conditions. ClinVar contains an entry for this variant (Variation ID: 1192102). Algorithms developed to predict the effect of missense changes on protein structure and function are either unavailable or do not agree on the potential impact of this missense change (SIFT: "Deleterious"; PolyPhen-2: "Possibly Damaging"; Align-GVGD: "Class C0"). In summary, the available evidence is currently insufficient to determine the role of this variant in disease. Therefore, it has been classified as a Variant of Uncertain Significance.

GeneDx
Classification: Uncertain significance. Last evaluated: 2019-11-19. Review status: criteria provided, single submitter. Criteria: GeneDx Variant Classification Process June 2021. Collection method: clinical testing. Allele origin: germline. Affected: yes.
Comment: In silico analysis, which includes protein predictors and evolutionary conservation, supports that this variant does not alter protein structure/function; Has not been previously published as pathogenic or benign to our knowledge

PreventionGenetics, part of Exact Sciences
Classification: Likely benign for SBF1-related condition. Last evaluated: 2023-10-18. Review status: no assertion criteria provided. Collection method: clinical testing. Allele origin: germline. Not counted in ClinVar's aggregate classification.
Comment: This variant is classified as likely benign based on ACMG/AMP sequence variant interpretation guidelines (Richards et al. 2015 PMID: 25741868, with internal and published modifications).